The following is an entry in ClinVar:

ClinVar aggregate classification (germline): Uncertain significance (1 of 4 stars; one submission).

Conditions:
Inborn genetic diseases. Identifiers: MedGen C0950123, MeSH D030342.

gnomAD v4.1: 3 of 1,613,680 alleles (0.00019%); highest among the groups gnomAD compares: Admixed American, 0.0017%; no homozygotes.

Submission:

Ambry Genetics
Classification: Uncertain significance for Inborn genetic diseases. Last evaluated: 2024-10-21. Review status: criteria provided, single submitter. Criteria: Ambry Variant Classification Scheme 2023. Collection method: clinical testing. Allele origin: germline.
Comment: The p.C109F variant (also known as c.326G>T), located in coding exon 2 of the MIB1 gene, results from a G to T substitution at nucleotide position 326. The cysteine at codon 109 is replaced by phenylalanine, an amino acid with highly dissimilar properties. This amino acid position is conserved. In addition, this alteration is predicted to be deleterious by in silico analysis. Based on the available evidence, the clinical significance of this variant remains unclear.

NM_020774.4(MIB1):c.326G>T (p.Cys109Phe)

Gene: MIB1 (MIB E3 ubiquitin protein ligase 1; plus strand). Cytogenetic location: 18q11.2.
Variant type: single nucleotide variant.
Coding change: c.326G>T on transcript NM_020774.4 (MANE Select); coding-DNA position 326, G replaced by T.
Protein change: p.Cys109Phe; replaces cysteine 109 with phenylalanine.
Molecular consequence: missense variant.
Genome position (GRCh38, 1-based): chr18:21,765,868, G>T. VCF-style: chr18-21765868-G-T. GRCh37 (hg19) VCF-style: chr18-19345829-G-T.
Other names: short protein forms C109F.
Identifiers: ClinVar variation 3395781 (VCV003395781.1).